The following is an entry in ClinVar:

ClinVar aggregate classification (germline): Uncertain significance (1 of 4 stars; one submission).

Conditions:
Brachyolmia-amelogenesis imperfecta syndrome. Also called: PLATYSPONDYLY WITH AMELOGENESIS IMPERFECTA; Tooth agenesis, selective, 6; Dental anomalies and short stature. Identifiers: Orphanet 2899, MedGen C1832594, MONDO:0011018, OMIM 601216. Disease mechanism: loss of function.

Submission:

Labcorp Genetics (formerly Invitae), Labcorp
Classification: Uncertain significance for Brachyolmia-amelogenesis imperfecta syndrome. Last evaluated: 2023-03-03. Review status: criteria provided, single submitter. Criteria: Invitae Variant Classification Sherloc (09022015). Collection method: clinical testing. Allele origin: germline.
Comment: In summary, the available evidence is currently insufficient to determine the role of this variant in disease. Therefore, it has been classified as a Variant of Uncertain Significance. An algorithm developed to predict the effect of missense changes on protein structure and function (PolyPhen-2) suggests that this variant is likely to be disruptive. This variant has not been reported in the literature in individuals affected with LTBP3-related conditions. This variant is not present in population databases (gnomAD no frequency). This sequence change replaces aspartic acid, which is acidic and polar, with glycine, which is neutral and non-polar, at codon 1161 of the LTBP3 protein (p.Asp1161Gly).

NM_001130144.3(LTBP3):c.3482A>G (p.Asp1161Gly)

Gene: LTBP3 (latent transforming growth factor beta binding protein 3; minus strand). Cytogenetic location: 11q13.1.
Variant type: single nucleotide variant.
Coding change: c.3482A>G on transcript NM_001130144.3 (MANE Select); coding-DNA position 3482, A replaced by G.
Protein change: p.Asp1161Gly; replaces aspartic acid 1161 with glycine.
Molecular consequence: missense variant.
Genome position (GRCh38, 1-based): chr11:65,539,785, T>C on the plus strand (A>G on the coding strand, the complement: LTBP3 is on the minus strand). VCF-style: chr11-65539785-T-C. GRCh37 (hg19) VCF-style: chr11-65307256-T-C.
Other names: c.2990A>G, p.Asp997Gly (NM_001164266.1); c.3341A>G, p.Asp1114Gly (NM_021070.4); short protein forms D997G, D1114G, D1161G.
Identifiers: ClinVar variation 2842600 (VCV002842600.3), dbSNP rs2496116464, ClinGen allele CA381266790.
Genomic context (GRCh38, chr11:65,539,785, plus strand): 5'-CCGCGCGGCGGGCACGGTCGGCATTGGGCGCCCCAGCCGCGGCCCTGGCGGCAGCAGCAG[T>C]CGTCGAAGGTGAGGGCAGGCCCGGCCAGGGGGCCAGCGCACATGCCGTCCTCTCCGCGCT-3'
Protein context (NP_001123616.1, residues 1151-1171): PLAGPALTFD[Asp1161Gly]CCCRQGRGWG